The following is an entry in ClinVar:

ClinVar aggregate classification (germline): Likely pathogenic (1 of 4 stars; one submission).

Conditions:
Spermatogenic failure 35. Identifiers: MedGen C5193038, MONDO:0032686, OMIM 618341.

Submission:

Juno Genomics, Hangzhou Juno Genomics, Inc
Classification: Likely pathogenic for Spermatogenic failure 35. Review status: criteria provided, single submitter. Criteria: ACMG Guidelines, 2015. Collection method: clinical testing. Allele origin: germline.
Comment: Absent from controls (or at extremely low frequency if recessive) in Genome Aggregation Database.;Null variant in a gene where loss of function (LOF) is a known mechanism of disease.

NM_001388453.1(QRICH2):c.5107del (p.Cys1703fs)

Gene: QRICH2 (glutamine rich 2; minus strand). Cytogenetic location: 17q25.1.
Variant type: Deletion.
Coding change: c.5107del on transcript NM_001388453.1 (MANE Select); coding-DNA position 5107, one base deleted (T; older notation c.5107delT).
Protein change: p.Cys1703fs; shifts the reading frame from cysteine 1703.
Molecular consequence: frameshift variant. On other transcripts: non-coding transcript variant (1).
Genome position (GRCh38, 1-based): chr17:76,277,999, A deleted on the plus strand (T on the coding strand, the reverse complement: QRICH2 is on the minus strand). VCF-style (leftmost placement, unchanged base first): chr17-76277998-CA-C. GRCh37 (hg19) VCF-style: chr17-74274079-CA-C.
Other names: c.5107del, p.Cys1703fs (NM_032134.3); short protein forms C1703fs.
Identifiers: ClinVar variation 5019428 (VCV005019428.2).
Genomic context (GRCh38, chr17:76,277,998, plus strand): 5'-AGCCTGGTCACTGGGTGCCTGCTCCCATGGCCTCGCCCGCCTCTCCTGTACCGTTTGTAG[CA>C]GGGGGAGCCCAGGCACTGGGCGTGCAGCAGCTCGCGGATTATCTGGCTGCTGGCCTTGGT-3'